The following is an entry in ClinVar:

ClinVar aggregate classification (germline): Likely benign. Review status: criteria provided, multiple submitters, no conflicts (2 of 4 stars). 4 submissions from 4 submitters: Likely benign (4). Last evaluated 2026-01-26.

Conditions:
Hereditary cancer-predisposing syndrome. Also called: Hereditary Cancer Syndrome; Hereditary neoplastic syndrome; Neoplastic Syndromes, Hereditary; Tumor predisposition. Identifiers: Orphanet 140162, MedGen C0027672, MeSH D009386, MONDO:0015356.

Allele frequency attached by ClinVar (database versions not stated): gnomAD exomes below 0.00001.
gnomAD v4.1: 29 of 1,600,806 alleles (0.0018%); highest among the groups gnomAD compares: Non-Finnish European, 0.0025%; no homozygotes.

Submissions (4):

Labcorp Genetics (formerly Invitae), Labcorp
Classification: Likely benign. Last evaluated: 2026-01-26. Review status: criteria provided, single submitter. Criteria: Invitae Variant Classification Sherloc (09022015). Collection method: clinical testing. Allele origin: germline.

Sema4
Classification: Likely benign for Hereditary cancer-predisposing syndrome. Last evaluated: 2020-08-26. Review status: criteria provided, single submitter. Criteria: Sema4 Curation Guidelines. Collection method: curation. Allele origin: germline.

Ambry Genetics
Classification: Likely benign for Hereditary cancer-predisposing syndrome. Last evaluated: 2018-05-03. Review status: criteria provided, single submitter. Criteria: Ambry Variant Classification Scheme 2023. Collection method: clinical testing. Allele origin: germline.

GeneDx
Classification: Likely benign. Last evaluated: 2016-11-04. Review status: criteria provided, single submitter. Criteria: GeneDx Variant Classification (06012015). Collection method: clinical testing. Allele origin: germline. Affected: yes.
Comment: This variant is considered likely benign or benign based on one or more of the following criteria: it is a conservative change, it occurs at a poorly conserved position in the protein, it is predicted to be benign by multiple in silico algorithms, and/or has population frequency not consistent with disease.

NM_006231.4(POLE):c.5037C>A (p.Arg1679=)

Gene: POLE (DNA polymerase epsilon, catalytic subunit; minus strand). Cytogenetic location: 12q24.33.
Variant type: single nucleotide variant.
Coding change: c.5037C>A on transcript NM_006231.4 (MANE Select); coding-DNA position 5037, C replaced by A.
Protein change: p.Arg1679=; no amino-acid change (arginine 1679 retained).
Molecular consequence: synonymous variant.
Genome position (GRCh38, 1-based): chr12:132,642,313, G>T on the plus strand (C>A on the coding strand, the complement: POLE is on the minus strand). VCF-style: chr12-132642313-G-T. GRCh37 (hg19) VCF-style: chr12-133218899-G-T.
Identifiers: ClinVar variation 390815 (VCV000390815.15), dbSNP rs1057523897, ClinGen allele CA16606134.